The following is an entry in ClinVar:

ClinVar aggregate classification (germline): Uncertain significance (1 of 4 stars; one submission).

Allele frequency attached by ClinVar (database versions not stated): gnomAD 0.00009; ExAC 0.00010; TOPMed 0.00013; 1000 Genomes Project 30x 0.00016; 1000 Genomes Project 0.00020; ESP Exome Variant Server 0.00023.
gnomAD v4.1: 78 of 1,597,472 alleles (0.0049%); highest among the groups gnomAD compares: Middle Eastern, 0.1%; 1 homozygote.

Submission:

Labcorp Genetics (formerly Invitae), Labcorp
Classification: Uncertain significance. Last evaluated: 2025-06-20. Review status: criteria provided, single submitter. Criteria: Invitae Variant Classification Sherloc (09022015). Collection method: clinical testing. Allele origin: germline.
Comment: This sequence change affects codon 1193 of the SORL1 mRNA. It is a 'silent' change, meaning that it does not change the encoded amino acid sequence of the SORL1 protein. It affects a nucleotide within the consensus splice site. This variant is present in population databases (rs138407235, gnomAD 0.04%), and has an allele count higher than expected for a pathogenic variant. This variant has not been reported in the literature in individuals affected with SORL1-related conditions. ClinVar contains an entry for this variant (Variation ID: 2176419). Algorithms developed to predict the effect of sequence changes on RNA splicing suggest that this variant is not likely to affect RNA splicing. In summary, the available evidence is currently insufficient to determine the role of this variant in disease. Therefore, it has been classified as a Variant of Uncertain Significance.

NM_003105.6(SORL1):c.3579C>T (p.Thr1193=)

Gene: SORL1 (sortilin related receptor 1; plus strand). Cytogenetic location: 11q24.1.
Variant type: single nucleotide variant.
Coding change: c.3579C>T on transcript NM_003105.6 (MANE Select); coding-DNA position 3579, C replaced by T.
Protein change: p.Thr1193=; no amino-acid change (threonine 1193 retained).
Molecular consequence: synonymous variant.
Genome position (GRCh38, 1-based): chr11:121,577,399, C>T. VCF-style: chr11-121577399-C-T. GRCh37 (hg19) VCF-style: chr11-121448108-C-T.
Identifiers: ClinVar variation 2176419 (VCV002176419.4), dbSNP rs138407235, ClinGen allele CA6329302.